The following is an entry in ClinVar:

ClinVar aggregate classification (germline): Likely benign. Review status: criteria provided, single submitter (1 of 4 stars). 2 submissions from 2 submitters: Likely benign (1). 1 of the submissions does not count toward it. Last evaluated 2025-03-25.

Conditions:
WDR4-related disorder. Also called: WDR4-Related Disorders; WDR4-related condition.

Allele frequency attached by ClinVar (database versions not stated): gnomAD 0.00009; ESP Exome Variant Server 0.00023.
gnomAD v4.1: 104 of 1,613,924 alleles (0.0064%); highest among the groups gnomAD compares: South Asian, 0.014%; no homozygotes.

Submissions (2):

Labcorp Genetics (formerly Invitae), Labcorp
Classification: Likely benign. Last evaluated: 2025-03-25. Review status: criteria provided, single submitter. Criteria: Invitae Variant Classification Sherloc (09022015). Collection method: clinical testing. Allele origin: germline.

PreventionGenetics, part of Exact Sciences
Classification: Likely benign for WDR4-related condition. Last evaluated: 2019-05-28. Review status: no assertion criteria provided. Collection method: clinical testing. Allele origin: germline. Not counted in ClinVar's aggregate classification.
Comment: This variant is classified as likely benign based on ACMG/AMP sequence variant interpretation guidelines (Richards et al. 2015 PMID: 25741868, with internal and published modifications).

NM_018669.6(WDR4):c.183C>T (p.Ser61=)

Gene: WDR4 (WDR4 tRNA N7-guanosine methyltransferase non-catalytic subunit; minus strand). Cytogenetic location: 21q22.3.
Variant type: single nucleotide variant.
Coding change: c.183C>T on transcript NM_018669.6 (MANE Select); coding-DNA position 183, C replaced by T.
Protein change: p.Ser61=; no amino-acid change (serine 61 retained).
Molecular consequence: synonymous variant. On other transcripts: 5 prime UTR variant (3), non-coding transcript variant (1).
Genome position (GRCh38, 1-based): chr21:42,873,664, G>A on the plus strand (C>T on the coding strand, the complement: WDR4 is on the minus strand). VCF-style: chr21-42873664-G-A. GRCh37 (hg19) VCF-style: chr21-44293774-G-A.
Other names: c.183C>T, p.Ser61= (NM_001260474.2, NM_033661.5); c.-204C>T (NM_001260475.2, NM_001260476.2, NM_001260477.2 and 1 more transcripts); c.183C>T (NM_033661.4).
Identifiers: ClinVar variation 2056254 (VCV002056254.6), dbSNP rs377268812, ClinGen allele CA10046226.